The following is an entry in ClinVar:

ClinVar aggregate classification (germline): Pathogenic/Likely pathogenic. Review status: criteria provided, multiple submitters, no conflicts (2 of 4 stars). 6 submissions from 6 submitters: Pathogenic (4); Likely pathogenic (1). 1 of the submissions does not count toward it. Last evaluated 2025-06-23.

Conditions:
ALMS1-related disorder. Also called: ALMS1-related condition.
Cardiovascular phenotype. Identifiers: MedGen CN230736.
Alstrom syndrome (ALMS). Identifiers: Orphanet 64, MedGen C0268425, MONDO:0008763, OMIM 203800.

Allele frequency attached by ClinVar (database versions not stated): TOPMed below 0.00001; gnomAD 0.00001; ExAC 0.00006.
gnomAD v4.1: 34 of 1,556,050 alleles (0.0022%); highest among the groups gnomAD compares: Non-Finnish European, 0.0029%; no homozygotes.

Submissions (6):

GeneDx
Classification: Pathogenic. Last evaluated: 2025-06-23. Review status: criteria provided, single submitter. Criteria: GeneDx Variant Classification Process June 2021. Collection method: clinical testing. Allele origin: germline. Affected: yes.
Comment: Nonsense variant predicted to result in protein truncation or nonsense mediated decay in a gene for which loss of function is a known mechanism of disease; Not observed at significant frequency in large population cohorts (gnomAD); This variant is associated with the following publications: (PMID: 40225151, 17594715, 32973878)

Labcorp Genetics (formerly Invitae), Labcorp
Classification: Pathogenic for Alstrom syndrome. Last evaluated: 2025-02-23. Review status: criteria provided, single submitter. Criteria: Invitae Variant Classification Sherloc (09022015). Collection method: clinical testing. Allele origin: germline.
Comment: This sequence change creates a premature translational stop signal (p.Gln96*) in the ALMS1 gene. It is expected to result in an absent or disrupted protein product. Loss-of-function variants in ALMS1 are known to be pathogenic (PMID: 17594715). This variant is present in population databases (rs750326619, gnomAD 0.002%). This premature translational stop signal has been observed in individual(s) with ALMS1-related conditions (PMID: 32973878). In at least one individual the data is consistent with being in trans (on the opposite chromosome) from a pathogenic variant. ClinVar contains an entry for this variant (Variation ID: 556723). For these reasons, this variant has been classified as Pathogenic.

Ambry Genetics
Classification: Pathogenic for Cardiovascular phenotype. Last evaluated: 2023-03-08. Review status: criteria provided, single submitter. Criteria: Ambry Variant Classification Scheme 2023. Collection method: clinical testing. Allele origin: germline.
Comment: The p.Q96* pathogenic mutation (also known as c.286C>T), located in coding exon 1 of the ALMS1 gene, results from a C to T substitution at nucleotide position 286. This changes the amino acid from a glutamine to a stop codon within coding exon 1. This alteration has been reported as a compound heterozygote in a subject with central vision loss, hearing loss and cardiomyopathy (Mauring L et al. Front Genet, 2020 Aug;11:938). This variant is considered to be rare based on population cohorts in the Genome Aggregation Database (gnomAD). In addition to the clinical data presented in the literature, this alteration is expected to result in loss of function by premature protein truncation or nonsense-mediated mRNA decay. As such, this alteration is interpreted as a disease-causing mutation.

Blueprint Genetics
Classification: Likely pathogenic for ALMS1-related disorders. Last evaluated: 2022-09-15. Review status: criteria provided, single submitter. Criteria: ACMG Guidelines, 2015. Collection method: clinical testing. Allele origin: germline. Affected: yes. Observed: 2 variant alleles.

Laboratory of Medical Genetics (UMR_S 1112), INSERM/Strasbourg University
Classification: Pathogenic for Alstrom syndrome. Last evaluated: 2019-11-01. Review status: criteria provided, single submitter. Criteria: ACMG Guidelines, 2015. Collection method: clinical testing, research. Allele origin: paternal. Inheritance: Autosomal recessive inheritance. Affected: yes. Observed: 1 compound heterozygote. Segregation with disease observed.

Counsyl
Classification: Likely pathogenic for Alstrom syndrome. Last evaluated: 2018-02-14. Review status: no assertion criteria provided. Collection method: clinical testing. Allele origin: unknown. Not counted in ClinVar's aggregate classification.

Literature cited by the submitters: PubMed 17594715 (cited by Labcorp Genetics (formerly Invitae), Labcorp); PubMed 32973878 (cited by Labcorp Genetics (formerly Invitae), Labcorp and Ambry Genetics).

NM_001378454.1(ALMS1):c.283C>T (p.Gln95Ter)

Gene: ALMS1 (ALMS1 centrosome and basal body associated protein; plus strand). Cytogenetic location: 2p13.1.
Variant type: single nucleotide variant.
Coding change: c.283C>T on transcript NM_001378454.1 (MANE Select); coding-DNA position 283, C replaced by T.
Protein change: p.Gln95Ter; replaces glutamine 95 with a stop codon.
Molecular consequence: nonsense.
Genome position (GRCh38, 1-based): chr2:73,386,151, C>T. VCF-style: chr2-73386151-C-T. GRCh37 (hg19) VCF-style: chr2-73613279-C-T.
Other names: c.286C>T, p.Gln96Ter (NM_015120.4); short protein forms Q96*, Q95*.
Identifiers: ClinVar variation 556723 (VCV000556723.15), dbSNP rs750326619, ClinGen allele CA1712789.